The following is an entry in ClinVar:

NM_001098.3(ACO2):c.969G>T (p.Lys323Asn)

Gene: ACO2 (aconitase 2; plus strand). Cytogenetic location: 22q13.2.
Variant type: single nucleotide variant.
Coding change: c.969G>T on transcript NM_001098.3 (MANE Select); coding-DNA position 969, G replaced by T.
Protein change: p.Lys323Asn; replaces lysine 323 with asparagine.
Molecular consequence: missense variant.
Genome position (GRCh38, 1-based): chr22:41,518,509, G>T. VCF-style: chr22-41518509-G-T. GRCh37 (hg19) VCF-style: chr22-41914513-G-T.
Other names: short protein forms K323N.
Identifiers: ClinVar variation 2814290 (VCV002814290.3), dbSNP rs2518225608, ClinGen allele CA411722947.
Genomic context (GRCh38, chr22:41,518,509, plus strand): 5'-CGTGCTCCATCCCCGTCCCTTGTTGATTTCAGACATTGCCAATCTAGCTGATGAATTCAA[G>T]GATCACTTGGTGCCTGACCCTGGCTGCCATTATGACCAACTAATTGAAATTAACCTCAGT-3'
Protein context (NP_001089.1, residues 313-333): EDIANLADEF[Lys323Asn]DHLVPDPGCH

ClinVar aggregate classification (germline): Uncertain significance (1 of 4 stars; one submission).

Allele frequency attached by ClinVar (database versions not stated): gnomAD exomes below 0.00001.
gnomAD v4.1: 2 of 1,613,834 alleles (0.00012%); highest among the groups gnomAD compares: Non-Finnish European, 0.00017%; no homozygotes.

Submission:

Labcorp Genetics (formerly Invitae), Labcorp
Classification: Uncertain significance. Last evaluated: 2022-11-14. Review status: criteria provided, single submitter. Criteria: Invitae Variant Classification Sherloc (09022015). Collection method: clinical testing. Allele origin: germline.
Comment: In summary, the available evidence is currently insufficient to determine the role of this variant in disease. Therefore, it has been classified as a Variant of Uncertain Significance. Advanced modeling of protein sequence and biophysical properties (such as structural, functional, and spatial information, amino acid conservation, physicochemical variation, residue mobility, and thermodynamic stability) performed at Invitae indicates that this missense variant is not expected to disrupt ACO2 protein function. This variant has not been reported in the literature in individuals affected with ACO2-related conditions. This variant is not present in population databases (gnomAD no frequency). This sequence change replaces lysine, which is basic and polar, with asparagine, which is neutral and polar, at codon 323 of the ACO2 protein (p.Lys323Asn).